The following is an entry in ClinVar:

ClinVar aggregate classification (germline): Pathogenic/Likely pathogenic. Review status: criteria provided, multiple submitters, no conflicts (2 of 4 stars). 5 submissions from 5 submitters: Pathogenic (4); Likely pathogenic (1). Last evaluated 2026-01-18.

Conditions:
Dilated cardiomyopathy 1G (CMD1G). Identifiers: Orphanet 154, MedGen C1858763, MONDO:0011400, OMIM 604145.
Autosomal recessive limb-girdle muscular dystrophy type 2J (LGMDR10). Also called: MUSCULAR DYSTROPHY, LIMB-GIRDLE, AUTOSOMAL RECESSIVE 10; Limb-girdle muscular dystrophy, type 2J. Identifiers: Orphanet 140922, MedGen C1837342, MONDO:0012127, OMIM 608807.

Allele frequency attached by ClinVar (database versions not stated): gnomAD exomes below 0.00001.
gnomAD v4.1: 4 of 1,605,258 alleles (0.00025%); highest among the groups gnomAD compares: Non-Finnish European, 0.00034%; no homozygotes.

Submissions (5):

Labcorp Genetics (formerly Invitae), Labcorp
Classification: Pathogenic for Dilated cardiomyopathy 1G; Autosomal recessive limb-girdle muscular dystrophy type 2J. Last evaluated: 2026-01-18. Review status: criteria provided, single submitter. Criteria: Invitae Variant Classification Sherloc (09022015). Collection method: clinical testing. Allele origin: germline.
Comment: This sequence change creates a premature translational stop signal (p.Arg19240*) in the TTN gene. While this is not anticipated to result in nonsense mediated decay, it is expected to create a truncated TTN protein. This variant is not present in population databases (gnomAD no frequency). This premature translational stop signal has been observed in individuals with dilated cardiomyopathy and/or peripartum cardiomyopathy (PMID: 24558114, 25163546, 31112426; internal data). This variant is also known as c.52795C>T (p.Arg17599*) and c.C31099T (p.R10367X). ClinVar contains an entry for this variant (Variation ID: 839183). This variant is located in the A band of TTN (PMID: 25589632). Truncating variants in this region are significantly overrepresented in patients affected with dilated cardiomyopathy (PMID: 25589632). Truncating variants in this region have also been reported in individuals affected with autosomal recessive centronuclear myopathy (PMID: 23975875). For these reasons, this variant has been classified as Pathogenic.

GeneDx
Classification: Pathogenic. Last evaluated: 2024-12-21. Review status: criteria provided, single submitter. Criteria: GeneDx Variant Classification Process June 2021. Collection method: clinical testing. Allele origin: germline. Affected: yes.
Comment: Nonsense variant predicted to result in protein truncation or nonsense mediated decay in a gene for which loss of function is a known mechanism of disease; Located in the A-band, a region of TTN for which truncating variants are significantly associated with autosomal dominant cardiomyopathy and also with autosomal recessive skeletal myopathies (PMID: 22335739, 32778822); Not observed at significant frequency in large population cohorts (gnomAD); This variant is associated with the following publications: (PMID: 22335739, 32778822, 25163546, 29650543, 31112426, 36264615, 24558114)

Genomic Medicine Center of Excellence, King Faisal Specialist Hospital and Research Centre
Classification: Pathogenic for Dilated cardiomyopathy 1G. Last evaluated: 2024-03-25. Review status: criteria provided, single submitter. Criteria: ACMG Guidelines, 2015. Collection method: clinical testing. Allele origin: germline.

CeGaT Center for Human Genetics Tuebingen
Classification: Pathogenic. Last evaluated: 2023-02-01. Review status: criteria provided, single submitter. Criteria: CeGaT Center For Human Genetics Tuebingen Variant Classification Criteria Version 2. Collection method: clinical testing. Allele origin: germline. Affected: yes. Observed: 2 variant alleles.
Comment: TTN: PVS1, PM2

Victorian Clinical Genetics Services, Murdoch Childrens Research Institute
Classification: Likely pathogenic for Dilated cardiomyopathy 1G. Last evaluated: 2022-02-02. Review status: criteria provided, single submitter. Criteria: ACMG Guidelines, 2015. Collection method: clinical testing. Allele origin: germline. Inheritance: Autosomal dominant inheritance. Affected: yes.
Comment: Based on the classification scheme VCGS_Germline_v1.3.4, this variant is classified as likely pathogenic. Following criteria are met: 0102 - Loss of function is known mechanism of disease in this gene. In addition, dominant-negative is also a suggested mechanism (PMID: 25589632). (I) 0108 - This gene is associated with both recessive and dominant disease (OMIM). (I) 0112 - The condition associated with this gene has incomplete penetrance. Variants in this gene that result in a premature truncating codon (PTC) are known to have reduced penetrance in DCM (PMID: 25589632). (I) 0201 - Variant is predicted to cause nonsense-mediated decay (NMD) and loss of protein (premature termination codon is located at least 54 nucleotides upstream of the final exon-exon junction). (SP) 0251 - This variant is heterozygous. (I) 0301 - Variant is absent from gnomAD (both v2 and v3). (SP) 0600 - Variant is located in the annotated C-terminal A-band and the exon has a PSI score of 100 (PMID: 25589632). (I) 0703 - Other NMD-predicted variants comparable to the one identified in this case have moderate previous evidence for pathogenicity (ClinVar). (SP) 0802 - This variant has moderate previous evidence of pathogenicity in unrelated individuals. This variant has been classified as likely pathogenic in an individual with cardiomyopathy (ClinVar, LOVD), and in another family with peripartum cardiomyopathy and dilated cardiomyopathy (PMID: 24558114, PMID: 25163546). (SP) 0902 - This variant has moderate evidence for segregation with disease. This variant has segregated with disease in a single family (PMID: 25163546). (SP) 1007 - No published functional evidence has been identified for this variant. (I) 1208 - Inheritance information for this variant is not currently available in this individual. (I) Legend: (SP) - Supporting pathogenic, (I) - Information, (SB) - Supporting benign

Literature cited by the submitters: PubMed 24558114 (cited by Labcorp Genetics (formerly Invitae), Labcorp and Victorian Clinical Genetics Services, Murdoch Childrens Research Institute); PubMed 25163546 (cited by Labcorp Genetics (formerly Invitae), Labcorp and Victorian Clinical Genetics Services, Murdoch Childrens Research Institute); PubMed 31112426 (cited by Labcorp Genetics (formerly Invitae), Labcorp); PubMed 25589632 (cited by Labcorp Genetics (formerly Invitae), Labcorp and Victorian Clinical Genetics Services, Murdoch Childrens Research Institute); PubMed 23975875 (cited by Labcorp Genetics (formerly Invitae), Labcorp).

NM_001267550.2(TTN):c.57718C>T (p.Arg19240Ter)

Genes: TTN-AS1 (TTN antisense RNA 1; plus strand), TTN (titin; minus strand). Cytogenetic location: 2q31.2.
Variant type: single nucleotide variant.
Coding change: c.57718C>T on transcript NM_001267550.2 (MANE Select); coding-DNA position 57718, C replaced by T.
Protein change: p.Arg19240Ter; replaces arginine 19240 with a stop codon.
Molecular consequence: nonsense.
Genome position (GRCh38, 1-based): chr2:178,595,636, G>A on the plus strand (C>T on the coding strand, the complement: TTN is on the minus strand). VCF-style: chr2-178595636-G-A. GRCh37 (hg19) VCF-style: chr2-179460363-G-A.
Other names: c.57718C>T (NM_001267550.1); c.52795C>T, p.Arg17599Ter (NM_001256850.1); c.30523C>T, p.Arg10175Ter (NM_003319.4); c.50014C>T, p.Arg16672Ter (NM_133378.4); c.30898C>T, p.Arg10300Ter (NM_133432.3); c.31099C>T, p.Arg10367Ter (NM_133437.4); short protein forms R10300*, R10367*, R10175*, R16672*, R17599*, R19240*.
Identifiers: ClinVar variation 839183 (VCV000839183.40), dbSNP rs2051361827, ClinGen allele CA349515124.